The following is an entry in ClinVar:

NM_004525.3(LRP2):c.2634T>C (p.Asp878=)

Gene: LRP2 (LDL receptor related protein 2; minus strand). Cytogenetic location: 2q31.1.
Variant type: single nucleotide variant.
Coding change: c.2634T>C on transcript NM_004525.3 (MANE Select); coding-DNA position 2634, T replaced by C.
Protein change: p.Asp878=; no amino-acid change (aspartic acid 878 retained).
Molecular consequence: synonymous variant.
Genome position (GRCh38, 1-based): chr2:169,257,129, A>G on the plus strand (T>C on the coding strand, the complement: LRP2 is on the minus strand). VCF-style: chr2-169257129-A-G. GRCh37 (hg19) VCF-style: chr2-170113639-A-G.
Identifiers: ClinVar variation 894304 (VCV000894304.13), dbSNP rs776426915, ClinGen allele CA1955252.
Genomic context (GRCh38, chr2:169,257,129, plus strand): 5'-TATGTGTTCTGCAGTAAAAGAGAACTAAGTATCGGGGATGATGATTCCTACTTACGCCCA[A>G]TCGATGGCCAAGCCATTGGGCCATCCAAGAGTAGTGTTTATTACAGGCAAGAGGTGAGAT-3'
Protein context (NP_004516.2, residues 868-888): TLGWPNGLAI[Asp878=]WAASRLYWVD

ClinVar aggregate classification (germline): Conflicting classifications of pathogenicity. Review status: criteria provided, conflicting classifications (1 of 4 stars). 4 submissions from 4 submitters: Uncertain significance (1); Likely benign (3). Last evaluated 2026-04-27.

Conditions:
LRP2-related disorder. Also called: LRP2-related condition.
Donnai-Barrow syndrome. Also called: DBS/FOAR SYNDROME; FACIOOCULOACOUSTICORENAL SYNDROME. Identifiers: Orphanet 2143, MedGen C1857277, MONDO:0009104, OMIM 222448.

Allele frequency attached by ClinVar (database versions not stated): TOPMed 0.00002; gnomAD 0.00003; gnomAD exomes 0.00006 and 0.00013; ExAC 0.00007.
gnomAD v4.1: 191 of 1,612,556 alleles (0.012%); highest among the groups gnomAD compares: Middle Eastern, 0.066%; no homozygotes.

Submissions (4):

PreventionGenetics, part of Exact Sciences
Classification: Likely benign for LRP2-related condition. Last evaluated: 2026-04-27. Review status: criteria provided, single submitter. Criteria: ACMG Guidelines, 2015. Collection method: clinical testing. Allele origin: germline.
Comment: This variant is classified as likely benign based on ACMG/AMP sequence variant interpretation guidelines (Richards et al. 2015 PMID: 25741868, with internal and published modifications).

Labcorp Genetics (formerly Invitae), Labcorp
Classification: Likely benign. Last evaluated: 2025-12-06. Review status: criteria provided, single submitter. Criteria: Invitae Variant Classification Sherloc (09022015). Collection method: clinical testing. Allele origin: germline.

Blueprint Genetics
Classification: Likely benign. Last evaluated: 2023-01-20. Review status: criteria provided, single submitter. Criteria: ACMG Guidelines, 2015. Collection method: clinical testing. Allele origin: germline.

Illumina Laboratory Services, Illumina
Classification: Uncertain significance for Donnai-Barrow syndrome. Last evaluated: 2018-01-13. Review status: criteria provided, single submitter. Criteria: ICSL Variant Classification Criteria 13 December 2019. Collection method: clinical testing. Allele origin: germline.